The following is an entry in ClinVar:

NM_173685.4(NSMCE2):c.170G>A (p.Ser57Asn)

Gene: NSMCE2 (NSE2 SUMO ligase component of SMC5/6 complex; plus strand). Cytogenetic location: 8q24.13.
Variant type: single nucleotide variant.
Coding change: c.170G>A on transcript NM_173685.4 (MANE Select); coding-DNA position 170, G replaced by A.
Protein change: p.Ser57Asn; replaces serine 57 with asparagine.
Molecular consequence: missense variant. On other transcripts: non-coding transcript variant (2).
Genome position (GRCh38, 1-based): chr8:125,151,183, G>A. VCF-style: chr8-125151183-G-A. GRCh37 (hg19) VCF-style: chr8-126163425-G-A.
Other names: c.170G>A (NM_173685.2); c.170G>A, p.Ser57Asn (NM_001349485.2, NM_001349486.2, NM_001349487.2); short protein forms S57N.
Identifiers: ClinVar variation 2145098 (VCV002145098.4), dbSNP rs200484132, ClinGen allele CA185474206.
Genomic context (GRCh38, chr8:125,151,183, plus strand): 5'-ATGGCATTTTAAATGGAAAATAATAATTGCAATTTTTTTTTCTTTCAGCTGAAGTGAGTA[G>A]TGAATATAGTATGGACAAGGCAATGGTTGAATTTGCTACATTGGATCGGCAACTAAACCA-3'
Protein context (NP_775956.1, residues 47-67): DLVESQTEVS[Ser57Asn]EYSMDKAMVE

ClinVar aggregate classification (germline): Uncertain significance. Review status: criteria provided, multiple submitters, no conflicts (2 of 4 stars). 2 submissions from 2 submitters: Uncertain significance (2). Last evaluated 2025-08-12.

Allele frequency attached by ClinVar (database versions not stated): gnomAD 0.00003; TOPMed 0.00003; 1000 Genomes Project 30x 0.00016; 1000 Genomes Project 0.00020.

Submissions (2):

Ambry Genetics
Classification: Uncertain significance. Last evaluated: 2025-08-12. Review status: criteria provided, single submitter. Criteria: Ambry Variant Classification Scheme 2023. Collection method: clinical testing. Allele origin: germline.

Labcorp Genetics (formerly Invitae), Labcorp
Classification: Uncertain significance. Last evaluated: 2024-06-24. Review status: criteria provided, single submitter. Criteria: Invitae Variant Classification Sherloc (09022015). Collection method: clinical testing. Allele origin: germline.
Comment: This sequence change replaces serine, which is neutral and polar, with asparagine, which is neutral and polar, at codon 57 of the NSMCE2 protein (p.Ser57Asn). This variant is present in population databases (rs200484132, gnomAD 0.0009%). This variant has not been reported in the literature in individuals affected with NSMCE2-related conditions. ClinVar contains an entry for this variant (Variation ID: 2145098). An algorithm developed to predict the effect of missense changes on protein structure and function (PolyPhen-2) suggests that this variant¬†is likely to be tolerated. In summary, the available evidence is currently insufficient to determine the role of this variant in disease. Therefore, it has been classified as a Variant of Uncertain Significance.